The following is an entry in ClinVar:

ClinVar aggregate classification (germline): Uncertain significance (1 of 4 stars; one submission).

Submission:

Labcorp Genetics (formerly Invitae), Labcorp
Classification: Uncertain significance. Last evaluated: 2022-02-08. Review status: criteria provided, single submitter. Criteria: Invitae Variant Classification Sherloc (09022015). Collection method: clinical testing. Allele origin: germline.
Comment: In summary, the available evidence is currently insufficient to determine the role of this variant in disease. Therefore, it has been classified as a Variant of Uncertain Significance. Algorithms developed to predict the effect of missense changes on protein structure and function are either unavailable or do not agree on the potential impact of this missense change (SIFT: "Deleterious"; PolyPhen-2: "Probably Damaging"; Align-GVGD: "Class C0"). This variant has not been reported in the literature in individuals affected with CCT2-related conditions. This variant is not present in population databases (gnomAD no frequency). This sequence change replaces arginine, which is basic and polar, with proline, which is neutral and non-polar, at codon 25 of the CCT2 protein (p.Arg25Pro).

NM_006431.3(CCT2):c.74G>C (p.Arg25Pro)

Gene: CCT2 (chaperonin containing TCP1 subunit 2; plus strand). Cytogenetic location: 12q15.
Variant type: single nucleotide variant.
Coding change: c.74G>C on transcript NM_006431.3 (MANE Select); coding-DNA position 74, G replaced by C.
Protein change: p.Arg25Pro; replaces arginine 25 with proline.
Molecular consequence: missense variant. On other transcripts: 5 prime UTR variant (1).
Genome position (GRCh38, 1-based): chr12:69,586,340, G>C. VCF-style: chr12-69586340-G-C. GRCh37 (hg19) VCF-style: chr12-69980120-G-C.
Other names: c.-68G>C (NM_001198842.2); short protein forms R25P.
Identifiers: ClinVar variation 1523190 (VCV001523190.8), dbSNP rs2135848375, ClinGen allele CA385722813.